The following is an entry in ClinVar:

NM_178565.5(RSPO2):c.34A>G (p.Ile12Val)

Genes: RSPO2 (R-spondin 2; minus strand), LOC124174315 (Sharpr-MPRA regulatory region 222; plus strand). Cytogenetic location: 8q23.1.
Variant type: single nucleotide variant.
Coding change: c.34A>G on transcript NM_178565.5 (MANE Select); coding-DNA position 34, A replaced by G.
Protein change: p.Ile12Val; replaces isoleucine 12 with valine.
Molecular consequence: missense variant.
Genome position (GRCh38, 1-based): chr8:108,082,605, T>C on the plus strand (A>G on the coding strand, the complement: RSPO2 is on the minus strand). VCF-style: chr8-108082605-T-C. GRCh37 (hg19) VCF-style: chr8-109094833-T-C.
Other names: c.34A>G, p.Ile12Val (NM_001282863.2); short protein forms I12V.
Identifiers: ClinVar variation 2782001 (VCV002782001.3), dbSNP rs1813244079, ClinGen allele CA372037410.

ClinVar aggregate classification (germline): Uncertain significance (1 of 4 stars; one submission).

Allele frequency attached by ClinVar (database versions not stated): gnomAD exomes below 0.00001; TOPMed 0.00001.
gnomAD v4.1: 1 of 1,614,084 alleles (0.000062%); no homozygotes.

Submission:

Labcorp Genetics (formerly Invitae), Labcorp
Classification: Uncertain significance. Last evaluated: 2023-06-19. Review status: criteria provided, single submitter. Criteria: Invitae Variant Classification Sherloc (09022015). Collection method: clinical testing. Allele origin: germline.
Comment: This sequence change replaces isoleucine, which is neutral and non-polar, with valine, which is neutral and non-polar, at codon 12 of the RSPO2 protein (p.Ile12Val). This variant is not present in population databases (gnomAD no frequency). This variant has not been reported in the literature in individuals affected with RSPO2-related conditions. Advanced modeling of protein sequence and biophysical properties (such as structural, functional, and spatial information, amino acid conservation, physicochemical variation, residue mobility, and thermodynamic stability) performed at Invitae indicates that this missense variant is not expected to disrupt RSPO2 protein function. In summary, the available evidence is currently insufficient to determine the role of this variant in disease. Therefore, it has been classified as a Variant of Uncertain Significance.